The following is an entry in ClinVar:

NM_012275.3(IL36RN):c.277A>G (p.Lys93Glu)

Gene: IL36RN (interleukin 36 receptor antagonist; plus strand). Cytogenetic location: 2q14.1.
Variant type: single nucleotide variant.
Coding change: c.277A>G on transcript NM_012275.3 (MANE Select); coding-DNA position 277, A replaced by G.
Protein change: p.Lys93Glu; replaces lysine 93 with glutamic acid.
Molecular consequence: missense variant.
Genome position (GRCh38, 1-based): chr2:113,062,486, A>G. VCF-style: chr2-113062486-A-G. GRCh37 (hg19) VCF-style: chr2-113820063-A-G.
Other names: c.277A>G, p.Lys93Glu (NM_173170.1); short protein forms K93E.
Identifiers: ClinVar variation 1694286 (VCV001694286.8), dbSNP rs746109701, ClinGen allele CA1838427.

ClinVar aggregate classification (germline): Uncertain significance. Review status: criteria provided, multiple submitters, no conflicts (2 of 4 stars). 2 submissions from 2 submitters: Uncertain significance (2). Last evaluated 2022-04-17.

Conditions:
Generalized pustular psoriasis. Identifiers: Orphanet 247353, MedGen C0343055, MONDO:0100491.
Autoinflammatory syndrome. Identifiers: Orphanet 93665, MedGen C3890737, MONDO:0019751.

Allele frequency attached by ClinVar (database versions not stated): gnomAD exomes below 0.00001; ExAC 0.00001; gnomAD 0.00001; TOPMed 0.00002.

Submissions (2):

Labcorp Genetics (formerly Invitae), Labcorp
Classification: Uncertain significance for Generalized pustular psoriasis. Last evaluated: 2022-04-17. Review status: criteria provided, single submitter. Criteria: Invitae Variant Classification Sherloc (09022015). Collection method: clinical testing. Allele origin: germline.
Comment: In summary, the available evidence is currently insufficient to determine the role of this variant in disease. Therefore, it has been classified as a Variant of Uncertain Significance. Algorithms developed to predict the effect of missense changes on protein structure and function output the following: SIFT: "Tolerated"; PolyPhen-2: "Benign"; Align-GVGD: "Class C0". The glutamic acid amino acid residue is found in multiple mammalian species, which suggests that this missense change does not adversely affect protein function. This variant has not been reported in the literature in individuals affected with IL36RN-related conditions. This variant is present in population databases (rs746109701, gnomAD 0.01%). This sequence change replaces lysine, which is basic and polar, with glutamic acid, which is acidic and polar, at codon 93 of the IL36RN protein (p.Lys93Glu).

Genome Diagnostics Laboratory, The Hospital for Sick Children
Classification: Uncertain significance for Autoinflammatory syndrome. Last evaluated: 2021-02-26. Review status: criteria provided, single submitter. Criteria: ACMG Guidelines, 2015. Collection method: clinical testing. Allele origin: germline. Affected: yes.